The following is an entry in ClinVar:

ClinVar aggregate classification (germline): Likely benign (0 of 4 stars; one submission).

Conditions:
PLXNA3-related disorder. Also called: PLXNA3-related condition.

gnomAD v4.1: 1 of 1,211,487 alleles (0.000083%); no homozygotes.

Submission:

PreventionGenetics, part of Exact Sciences
Classification: Likely benign for PLXNA3-related condition. Last evaluated: 2021-10-05. Review status: no assertion criteria provided. Collection method: clinical testing. Allele origin: germline.
Comment: This variant is classified as likely benign based on ACMG/AMP sequence variant interpretation guidelines (Richards et al. 2015 PMID: 25741868, with internal and published modifications).

NM_017514.5(PLXNA3):c.4362C>T (p.Ala1454=)

Gene: PLXNA3 (plexin A3; plus strand). Cytogenetic location: Xq28.
Variant type: single nucleotide variant.
Coding change: c.4362C>T on transcript NM_017514.5 (MANE Select); coding-DNA position 4362, C replaced by T.
Protein change: p.Ala1454=; no amino-acid change (alanine 1454 retained).
Molecular consequence: synonymous variant.
Genome position (GRCh38, 1-based): chrX:154,468,897, C>T. VCF-style: chrX-154468897-C-T. GRCh37 (hg19) VCF-style: chrX-153697240-C-T.
Identifiers: ClinVar variation 3357759 (VCV003357759.1).